The following is an entry in ClinVar:

NM_144997.7(FLCN):c.830C>G (p.Ala277Gly)

Gene: FLCN (folliculin; minus strand). Cytogenetic location: 17p11.2.
Variant type: single nucleotide variant.
Coding change: c.830C>G on transcript NM_144997.7 (MANE Select); coding-DNA position 830, C replaced by G.
Protein change: p.Ala277Gly; replaces alanine 277 with glycine.
Molecular consequence: missense variant.
Genome position (GRCh38, 1-based): chr17:17,221,578, G>C on the plus strand (C>G on the coding strand, the complement: FLCN is on the minus strand). VCF-style: chr17-17221578-G-C. GRCh37 (hg19) VCF-style: chr17-17124892-G-C.
Other names: c.884C>G, p.Ala295Gly (NM_001353229.2); c.830C>G, p.Ala277Gly (NM_001353230.2, NM_001353231.2, NM_144606.7); short protein forms A277G, A295G.
Identifiers: ClinVar variation 4643282 (VCV004643282.1).

ClinVar aggregate classification (germline): Uncertain significance (1 of 4 stars; one submission).

Conditions:
Hereditary cancer-predisposing syndrome. Also called: Neoplastic Syndromes, Hereditary; Tumor predisposition; Hereditary Cancer Syndrome; Hereditary neoplastic syndrome. Identifiers: Orphanet 140162, MedGen C0027672, MeSH D009386, MONDO:0015356.

Submission:

Ambry Genetics
Classification: Uncertain significance for Hereditary cancer-predisposing syndrome. Last evaluated: 2025-12-11. Review status: criteria provided, single submitter. Criteria: Ambry Variant Classification Scheme 2023. Collection method: clinical testing. Allele origin: germline.
Comment: The p.A277G variant (also known as c.830C>G), located in coding exon 5 of the FLCN gene, results from a C to G substitution at nucleotide position 830. The alanine at codon 277 is replaced by glycine, an amino acid with similar properties. This amino acid position is conserved. In addition, the in silico prediction for this alteration is inconclusive. Based on the available evidence, the clinical significance of this variant remains unclear.